The following is an entry in ClinVar:

ClinVar aggregate classification (germline): Uncertain significance (1 of 4 stars; one submission).

Conditions:
Familial sleep-related hypermotor epilepsy. Also called: Autosomal Dominant Sleep-Related Hypermotor (Hyperkinetic) Epilepsy. Identifiers: Orphanet 98784, MedGen C3696898, MONDO:0000030.

gnomAD v4.1: 3 of 1,607,178 alleles (0.00019%); highest among the groups gnomAD compares: Non-Finnish European, 0.00017%; no homozygotes.

Submission:

Labcorp Genetics (formerly Invitae), Labcorp
Classification: Uncertain significance. Last evaluated: 2024-02-06. Review status: criteria provided, single submitter. Criteria: Invitae Variant Classification Sherloc (09022015). Collection method: clinical testing. Allele origin: germline.
Comment: This sequence change replaces serine, which is neutral and polar, with phenylalanine, which is neutral and non-polar, at codon 538 of the CHRNA4 protein (p.Ser538Phe). This variant is not present in population databases (gnomAD no frequency). This variant has not been reported in the literature in individuals affected with CHRNA4-related conditions. Advanced modeling of protein sequence and biophysical properties (such as structural, functional, and spatial information, amino acid conservation, physicochemical variation, residue mobility, and thermodynamic stability) performed at Invitae indicates that this missense variant is not expected to disrupt CHRNA4 protein function with a negative predictive value of 80%. In summary, the available evidence is currently insufficient to determine the role of this variant in disease. Therefore, it has been classified as a Variant of Uncertain Significance.

NM_000744.7(CHRNA4):c.1613C>T (p.Ser538Phe)

Gene: CHRNA4 (cholinergic receptor nicotinic alpha 4 subunit; minus strand). Cytogenetic location: 20q13.33.
Variant type: single nucleotide variant.
Coding change: c.1613C>T on transcript NM_000744.7 (MANE Select); coding-DNA position 1613, C replaced by T.
Protein change: p.Ser538Phe; replaces serine 538 with phenylalanine.
Molecular consequence: missense variant. On other transcripts: non-coding transcript variant (1).
Genome position (GRCh38, 1-based): chr20:63,349,798, G>A on the plus strand (C>T on the coding strand, the complement: CHRNA4 is on the minus strand). VCF-style: chr20-63349798-G-A. GRCh37 (hg19) VCF-style: chr20-61981150-G-A.
Other names: c.1085C>T, p.Ser362Phe (NM_001256573.2); short protein forms S362F, S538F.
Identifiers: ClinVar variation 3692966 (VCV003692966.2).